The following is an entry in ClinVar:

NM_001080453.3(INTS1):c.5380G>C (p.Val1794Leu)

Gene: INTS1 (integrator complex subunit 1; minus strand). Cytogenetic location: 7p22.3.
Variant type: single nucleotide variant.
Coding change: c.5380G>C on transcript NM_001080453.3 (MANE Select); coding-DNA position 5380, G replaced by C.
Protein change: p.Val1794Leu; replaces valine 1794 with leucine.
Molecular consequence: missense variant.
Genome position (GRCh38, 1-based): chr7:1,476,070, C>G on the plus strand (G>C on the coding strand, the complement: INTS1 is on the minus strand). VCF-style: chr7-1476070-C-G. GRCh37 (hg19) VCF-style: chr7-1515706-C-G.
Other names: short protein forms V1794L.
Identifiers: ClinVar variation 1302721 (VCV001302721.2), dbSNP rs773961874, ClinGen allele CA152517184.

ClinVar aggregate classification (germline): Uncertain significance (1 of 4 stars; one submission).

gnomAD v4.1: 29 of 1,542,070 alleles (0.0019%); highest among the groups gnomAD compares: Non-Finnish European, 0.0022%; no homozygotes.

Submission:

GeneDx
Classification: Uncertain significance. Last evaluated: 2019-05-16. Review status: criteria provided, single submitter. Criteria: GeneDx Variant Classification Process June 2021. Collection method: clinical testing. Allele origin: germline. Affected: yes.
Comment: Not observed at a significant frequency in large population cohorts (Lek et al., 2016); In-silico analysis, which includes splice predictors and evolutionary conservation, is inconclusive as to whether the variant alters gene splicing. In the absence of RNA/functional studies, the actual effect of this sequence change is unknown; In addition, in silico predictors and evolutionary conservation suggest the missense change does not alter protein structure/function; Has not been previously published as pathogenic or benign to our knowledge